The following is an entry in ClinVar:

NM_001458.5(FLNC):c.1735C>T (p.Pro579Ser)

Gene: FLNC (filamin C; plus strand). Cytogenetic location: 7q32.1.
Variant type: single nucleotide variant.
Coding change: c.1735C>T on transcript NM_001458.5 (MANE Select); coding-DNA position 1735, C replaced by T.
Protein change: p.Pro579Ser; replaces proline 579 with serine.
Molecular consequence: missense variant.
Genome position (GRCh38, 1-based): chr7:128,840,892, C>T. VCF-style: chr7-128840892-C-T. GRCh37 (hg19) VCF-style: chr7-128480946-C-T.
Other names: c.1735C>T, p.Pro579Ser (NM_001127487.2); short protein forms P579S.
Identifiers: ClinVar variation 3850783 (VCV003850783.1).
Genomic context (GRCh38, chr7:128,840,892, plus strand): 5'-AGCCCCTTTGAGGTACAGGTGAGCCCAGAGGCAGGAGTGCAAAAGGTCCGGGCCTGGGGT[C>T]CTGGTTTGGAGACTGGCCAGGTGGGCAAGTCAGCCGATTTTGTGGTGGAAGCCATTGGCA-3'
Protein context (NP_001449.3, residues 569-589): AGVQKVRAWG[Pro579Ser]GLETGQVGKS

ClinVar aggregate classification (germline): Uncertain significance (1 of 4 stars; one submission).

Conditions:
Cardiovascular phenotype. Identifiers: MedGen CN230736.

Submission:

Ambry Genetics
Classification: Uncertain significance for Cardiovascular phenotype. Last evaluated: 2025-01-21. Review status: criteria provided, single submitter. Criteria: Ambry Variant Classification Scheme 2023. Collection method: clinical testing. Allele origin: germline.
Comment: The p.P579S variant (also known as c.1735C>T), located in coding exon 11 of the FLNC gene, results from a C to T substitution at nucleotide position 1735. The proline at codon 579 is replaced by serine, an amino acid with similar properties. This amino acid position is conserved. In addition, the in silico prediction for this alteration is inconclusive. Based on the available evidence, the clinical significance of this variant remains unclear.